The following is an entry in ClinVar:

NM_133372.3(FNIP1):c.3289A>G (p.Asn1097Asp)

Gene: FNIP1 (folliculin interacting protein 1; minus strand). Cytogenetic location: 5q31.1.
Variant type: single nucleotide variant.
Coding change: c.3289A>G on transcript NM_133372.3 (MANE Select); coding-DNA position 3289, A replaced by G.
Protein change: p.Asn1097Asp; replaces asparagine 1097 with aspartic acid.
Molecular consequence: missense variant.
Genome position (GRCh38, 1-based): chr5:131,651,819, T>C on the plus strand (A>G on the coding strand, the complement: FNIP1 is on the minus strand). VCF-style: chr5-131651819-T-C. GRCh37 (hg19) VCF-style: chr5-130987512-T-C.
Other names: c.3205A>G, p.Asn1069Asp (NM_001008738.3); c.3154A>G, p.Asn1052Asp (NM_001346114.2); short protein forms N1069D, N1052D, N1097D.
Identifiers: ClinVar variation 2004500 (VCV002004500.4), dbSNP rs1490926383, ClinGen allele CA360781666.

ClinVar aggregate classification (germline): Uncertain significance (1 of 4 stars; one submission).

Submission:

Labcorp Genetics (formerly Invitae), Labcorp
Classification: Uncertain significance. Last evaluated: 2022-08-06. Review status: criteria provided, single submitter. Criteria: Invitae Variant Classification Sherloc (09022015). Collection method: clinical testing. Allele origin: germline.
Comment: This sequence change replaces asparagine, which is neutral and polar, with aspartic acid, which is acidic and polar, at codon 1097 of the FNIP1 protein (p.Asn1097Asp). In summary, the available evidence is currently insufficient to determine the role of this variant in disease. Therefore, it has been classified as a Variant of Uncertain Significance. Algorithms developed to predict the effect of missense changes on protein structure and function are either unavailable or do not agree on the potential impact of this missense change (SIFT: "Tolerated"; PolyPhen-2: "Probably Damaging"; Align-GVGD: "Class C0"). This variant has not been reported in the literature in individuals affected with FNIP1-related conditions. This variant is not present in population databases (gnomAD no frequency).